The following is an entry in ClinVar:

ClinVar aggregate classification (germline): Pathogenic/Likely pathogenic. Review status: criteria provided, multiple submitters, no conflicts (2 of 4 stars). 4 submissions from 4 submitters: Pathogenic (3); Likely pathogenic (1). Last evaluated 2024-10-07.

Conditions:
Hereditary nonpolyposis colorectal neoplasms. Identifiers: MedGen C0009405, MeSH D003123.
Hereditary cancer-predisposing syndrome. Also called: Tumor predisposition; Hereditary neoplastic syndrome; Neoplastic Syndromes, Hereditary; Hereditary Cancer Syndrome. Identifiers: Orphanet 140162, MedGen C0027672, MeSH D009386, MONDO:0015356.
Lynch syndrome 5 (LYNCH5). Also called: Colorectal cancer, hereditary nonpolyposis, type 5; Hereditary non-polyposis colorectal cancer, type 5. Identifiers: Orphanet 144, MedGen C1833477, MONDO:0013710, OMIM 614350. Disease mechanism: loss of function.

Submissions (4):

Labcorp Genetics (formerly Invitae), Labcorp
Classification: Pathogenic for Hereditary nonpolyposis colorectal neoplasms. Last evaluated: 2024-10-07. Review status: criteria provided, single submitter. Criteria: Invitae Variant Classification Sherloc (09022015). Collection method: clinical testing. Allele origin: germline.
Comment: This sequence change creates a premature translational stop signal (p.Tyr214*) in the MSH6 gene. It is expected to result in an absent or disrupted protein product. Loss-of-function variants in MSH6 are known to be pathogenic (PMID: 18269114, 24362816). This variant is not present in population databases (gnomAD no frequency). This variant has not been reported in the literature in individuals affected with MSH6-related conditions. ClinVar contains an entry for this variant (Variation ID: 1075827). For these reasons, this variant has been classified as Pathogenic.

Myriad Genetics, Inc.
Classification: Pathogenic for Lynch syndrome 5. Last evaluated: 2023-08-10. Review status: criteria provided, single submitter. Criteria: Myriad Autosomal Dominant, Autosomal Recessive and X-Linked Classification Criteria (2023). Collection method: clinical testing. Allele origin: unknown.
Comment: This variant is considered pathogenic. This variant creates a termination codon and is predicted to result in premature protein truncation.

Ambry Genetics
Classification: Pathogenic for Hereditary cancer-predisposing syndrome. Last evaluated: 2023-02-13. Review status: criteria provided, single submitter. Criteria: Ambry Variant Classification Scheme 2023. Collection method: clinical testing. Allele origin: germline.
Comment: The c.642delC pathogenic mutation, located in coding exon 4 of the MSH6 gene, results from a deletion of one nucleotide at nucleotide position 642, causing a translational frameshift with a predicted alternate stop codon (p.Y214*). This variant is considered to be rare based on population cohorts in the Genome Aggregation Database (gnomAD). This alteration is expected to result in loss of function by premature protein truncation or nonsense-mediated mRNA decay. As such, this alteration is interpreted as a disease-causing mutation.

Quest Diagnostics Nichols Institute San Juan Capistrano
Classification: Likely pathogenic. Last evaluated: 2023-02-07. Review status: criteria provided, single submitter. Criteria: Quest Diagnostics criteria. Collection method: clinical testing. Allele origin: unknown.
Comment: This frameshift variant alters the translational reading frame of the MSH6 mRNA and is predicted to cause the premature termination of MSH6 protein synthesis. The variant has not been reported in the published literature. It also has not been reported in large, multi-ethnic general populations. Based on the available information, this variant is classified as likely pathogenic.

Literature cited by the submitters: PubMed 18269114 (cited by Labcorp Genetics (formerly Invitae), Labcorp); PubMed 24362816 (cited by Labcorp Genetics (formerly Invitae), Labcorp).

NM_000179.3(MSH6):c.642del (p.Thr213_Tyr214insTer)

Gene: MSH6 (mutS homolog 6; plus strand). Cytogenetic location: 2p16.3.
Variant type: Deletion.
Coding change: c.642del on transcript NM_000179.3 (MANE Select); coding-DNA position 642, one base deleted (C; older notation c.642delC).
Protein change: p.Thr213_Tyr214insTer.
Molecular consequence: nonsense. On other transcripts: 5 prime UTR variant (2).
Genome position (GRCh38, 1-based): chr2:47,798,625, C deleted. VCF-style (leftmost placement, unchanged base first): chr2-47798624-AC-A. GRCh37 (hg19) VCF-style: chr2-48025763-AC-A.
Other names: c.642delC (NM_000179.2); c.642del (NM_000179.2); c.252del, p.Thr83_Tyr84insTer (NM_001281492.2); c.-265del (NM_001281493.2, NM_001281494.2).
Identifiers: ClinVar variation 1075827 (VCV001075827.14), dbSNP rs2104288054, ClinGen allele CA2499216095.
Genomic context (GRCh38, chr2:47,798,624, plus strand): 5'-TTTCCAAATTTTGATTTGTTTTTAAATACTCTTTCCTTGCCTGGCAGGTAGGCACAACTT[AC>A]GTAACAGATAAGAGTGAAGAAGATAATGAAATTGAGAGTGAAGAGGAAGTACAGCCTAAG-3'